The following is an entry in ClinVar:

NM_014363.6(SACS):c.11664A>G (p.Leu3888=)

Gene: SACS (sacsin molecular chaperone; minus strand). Cytogenetic location: 13q12.12.
Variant type: single nucleotide variant.
Coding change: c.11664A>G on transcript NM_014363.6 (MANE Select); coding-DNA position 11664, A replaced by G.
Protein change: p.Leu3888=; no amino-acid change (leucine 3888 retained).
Molecular consequence: synonymous variant.
Genome position (GRCh38, 1-based): chr13:23,332,212, T>C on the plus strand (A>G on the coding strand, the complement: SACS is on the minus strand). VCF-style: chr13-23332212-T-C. GRCh37 (hg19) VCF-style: chr13-23906351-T-C.
Other names: p.Leu3888=; c.11223A>G, p.Leu3741= (NM_001278055.2).
Identifiers: ClinVar variation 727376 (VCV000727376.11), dbSNP rs752876736, ClinGen allele CA6910245.

ClinVar aggregate classification (germline): Likely benign. Review status: criteria provided, multiple submitters, no conflicts (2 of 4 stars). 2 submissions from 2 submitters: Likely benign (2). Last evaluated 2025-09-30.

Conditions:
Spastic paraplegia. Identifiers: MedGen C0037772, HP:0001258.

Allele frequency attached by ClinVar (database versions not stated): gnomAD exomes 0.00001; gnomAD 0.00002; TOPMed 0.00003; ExAC 0.00001.
gnomAD v4.1: 11 of 1,613,918 alleles (0.00068%); highest among the groups gnomAD compares: Admixed American, 0.0033%; no homozygotes.

Submissions (2):

Mayo Clinic Laboratories, Mayo Clinic
Classification: Likely benign. Last evaluated: 2025-09-30. Review status: criteria provided, single submitter. Criteria: ACMG Guidelines, 2015. Collection method: clinical testing. Allele origin: germline. Observed: 1 variant allele.
Comment: BP4, BP7

Labcorp Genetics (formerly Invitae), Labcorp
Classification: Likely benign for Spastic paraplegia. Last evaluated: 2022-01-11. Review status: criteria provided, single submitter. Criteria: Invitae Variant Classification Sherloc (09022015). Collection method: clinical testing. Allele origin: germline.